The following is an entry in ClinVar:

NM_014003.4(DHX38):c.2579C>T (p.Thr860Met)

Gene: DHX38 (DEAH-box helicase 38; plus strand). Cytogenetic location: 16q22.2.
Variant type: single nucleotide variant.
Coding change: c.2579C>T on transcript NM_014003.4 (MANE Select); coding-DNA position 2579, C replaced by T.
Protein change: p.Thr860Met; replaces threonine 860 with methionine.
Molecular consequence: missense variant.
Genome position (GRCh38, 1-based): chr16:72,106,096, C>T. VCF-style: chr16-72106096-C-T. GRCh37 (hg19) VCF-style: chr16-72139995-C-T.
Other names: short protein forms T860M.
Identifiers: ClinVar variation 938989 (VCV000938989.7), dbSNP rs372311072, ClinGen allele CA283686722.

ClinVar aggregate classification (germline): Uncertain significance. Review status: criteria provided, multiple submitters, no conflicts (2 of 4 stars). 3 submissions from 3 submitters: Uncertain significance (3). Last evaluated 2025-08-29.

Allele frequency attached by ClinVar (database versions not stated): ESP Exome Variant Server 0.00008; gnomAD exomes 0.00001 and 0.00003; TOPMed 0.00001; gnomAD 0.00003.
gnomAD v4.1: 40 of 1,614,074 alleles (0.0025%); highest among the groups gnomAD compares: Non-Finnish European, 0.0032%; no homozygotes.

Submissions (3):

Ambry Genetics
Classification: Uncertain significance. Last evaluated: 2025-08-29. Review status: criteria provided, single submitter. Criteria: Ambry Variant Classification Scheme 2023. Collection method: clinical testing. Allele origin: germline.

Blueprint Genetics
Classification: Uncertain significance. Last evaluated: 2024-06-24. Review status: criteria provided, single submitter. Criteria: ACMG Guidelines, 2015. Collection method: clinical testing. Allele origin: germline.

Labcorp Genetics (formerly Invitae), Labcorp
Classification: Uncertain significance. Last evaluated: 2022-10-13. Review status: criteria provided, single submitter. Criteria: Invitae Variant Classification Sherloc (09022015). Collection method: clinical testing. Allele origin: germline.
Comment: In summary, the available evidence is currently insufficient to determine the role of this variant in disease. Therefore, it has been classified as a Variant of Uncertain Significance. Advanced modeling of protein sequence and biophysical properties (such as structural, functional, and spatial information, amino acid conservation, physicochemical variation, residue mobility, and thermodynamic stability) performed at Invitae indicates that this missense variant is expected to disrupt DHX38 protein function. ClinVar contains an entry for this variant (Variation ID: 938989). This variant has not been reported in the literature in individuals affected with DHX38-related conditions. This variant is present in population databases (rs372311072, gnomAD 0.004%). This sequence change replaces threonine, which is neutral and polar, with methionine, which is neutral and non-polar, at codon 860 of the DHX38 protein (p.Thr860Met).